The following is an entry in ClinVar:

ClinVar aggregate classification (germline): Pathogenic (1 of 4 stars; one submission).

Submission:

Labcorp Genetics (formerly Invitae), Labcorp
Classification: Pathogenic. Last evaluated: 2023-06-20. Review status: criteria provided, single submitter. Criteria: Invitae Variant Classification Sherloc (09022015). Collection method: clinical testing. Allele origin: germline.
Comment: This variant has not been reported in the literature in individuals affected with COL4A1-related conditions. For these reasons, this variant has been classified as Pathogenic. This variant is not present in population databases (gnomAD no frequency). This sequence change creates a premature translational stop signal (p.Gly109Glufs*47) in the COL4A1 gene. It is expected to result in an absent or disrupted protein product. Loss-of-function variants in COL4A1 are known to be pathogenic (PMID: 23225343).

Literature cited by the submitters: PubMed 23225343.

NC_000013.11:g.110212480del

Gene: COL4A1 (collagen type IV alpha 1 chain; minus strand). Cytogenetic location: 13q34.
Variant type: Deletion.
Genome position: GRCh38 VCF-style: chr13-110212477-TC-T. GRCh37 (hg19) VCF-style: chr13-110864824-TC-T.
Identifiers: ClinVar variation 2711861 (VCV002711861.3), dbSNP rs2501603480, ClinGen allele CA2697551938.